The following is an entry in ClinVar:

ClinVar aggregate classification (germline): Uncertain significance. Review status: criteria provided, multiple submitters, no conflicts (2 of 4 stars). 3 submissions from 3 submitters: Uncertain significance (3). Last evaluated 2026-05-13.

Conditions:
Cone-rod dystrophy 6 (CORD6). Also called: Cone dystrophy progressive; RETINAL CONE DYSTROPHY 2. Identifiers: Orphanet 1872, MedGen C1866293, MONDO:0011143, OMIM 601777.
Leber congenital amaurosis 1 (LCA1). Also called: AMAUROSIS CONGENITA OF LEBER I; RETINAL BLINDNESS, CONGENITAL; Congenital absence of the rods and cones; Leber's congenital tapetoretinal degeneration; Leber's congenital tapetoretinal dysplasia. Identifiers: Orphanet 65, MedGen C2931258, MONDO:0008764, OMIM 204000.
GUCY2D-related disorder. Also called: GUCY2D-related condition.

Allele frequency attached by ClinVar (database versions not stated): ExAC 0.00001; gnomAD exomes 0.00004.
gnomAD v4.1: 54 of 1,613,716 alleles (0.0033%); highest among the groups gnomAD compares: East Asian, 0.027%; no homozygotes.

Submissions (3):

PreventionGenetics, part of Exact Sciences
Classification: Uncertain significance for GUCY2D-related condition. Last evaluated: 2026-05-13. Review status: criteria provided, single submitter. Criteria: ACMG Guidelines, 2015. Collection method: clinical testing. Allele origin: germline.
Comment: The GUCY2D c.2375C>T variant is predicted to result in the amino acid substitution p.Pro792Leu. This variant was reported in an individual with cone-rod dystrophy (Wang et al. 2017. PubMed ID: 28838317) and in another individual with retinal dystrophy (Basdemirci et al. 2024. PubMed ID: 38841332). This variant is reported in 0.027% of alleles in individuals of East Asian descent in gnomAD. At this time, the clinical significance of this variant is uncertain due to the absence of conclusive functional and genetic evidence.

Blueprint Genetics
Classification: Uncertain significance. Last evaluated: 2024-03-21. Review status: criteria provided, single submitter. Criteria: ACMG Guidelines, 2015. Collection method: clinical testing. Allele origin: germline.

Labcorp Genetics (formerly Invitae), Labcorp
Classification: Uncertain significance for Leber congenital amaurosis 1; Cone-rod dystrophy 6. Last evaluated: 2022-08-27. Review status: criteria provided, single submitter. Criteria: Invitae Variant Classification Sherloc (09022015). Collection method: clinical testing. Allele origin: germline.
Comment: This sequence change replaces proline, which is neutral and non-polar, with leucine, which is neutral and non-polar, at codon 792 of the GUCY2D protein (p.Pro792Leu). This variant is present in population databases (rs763774686, gnomAD 0.03%). This missense change has been observed in individual(s) with cone-rod dystrophy (PMID: 28838317). Algorithms developed to predict the effect of missense changes on protein structure and function (SIFT, PolyPhen-2, Align-GVGD) all suggest that this variant is likely to be disruptive. In summary, the available evidence is currently insufficient to determine the role of this variant in disease. Therefore, it has been classified as a Variant of Uncertain Significance.

Literature cited by the submitters: PubMed 28838317 (cited by Labcorp Genetics (formerly Invitae), Labcorp).

NM_000180.4(GUCY2D):c.2375C>T (p.Pro792Leu)

Gene: GUCY2D (guanylate cyclase 2D, retinal; plus strand). Cytogenetic location: 17p13.1.
Variant type: single nucleotide variant.
Coding change: c.2375C>T on transcript NM_000180.4 (MANE Select); coding-DNA position 2375, C replaced by T.
Protein change: p.Pro792Leu; replaces proline 792 with leucine.
Molecular consequence: missense variant.
Genome position (GRCh38, 1-based): chr17:8,013,991, C>T. VCF-style: chr17-8013991-C-T. GRCh37 (hg19) VCF-style: chr17-7917309-C-T.
Other names: c.2375C>T (NM_000180.3); short protein forms P792L.
Identifiers: ClinVar variation 2152274 (VCV002152274.3), dbSNP rs763774686, ClinGen allele CA8366098.
Genomic context (GRCh38, chr17:8,013,991, plus strand): 5'-CCATGGACCAGGCACCTGTCGAGTGTATCCTCCTGATGAAGCAGTGCTGGGCAGAGCAGC[C>T]GGAACTTCGGCCCTCCATGGACCACACCTTCGACCTGGTCAGGGGCTGGGAGTGGGCAAG-3'
Protein context (NP_000171.1, residues 782-802): LLMKQCWAEQ[Pro792Leu]ELRPSMDHTF